The following is an entry in ClinVar:

NM_032382.5(COG8):c.914G>A (p.Gly305Asp)

Gene: COG8 (component of oligomeric golgi complex 8; minus strand). Cytogenetic location: 16q22.1.
Variant type: single nucleotide variant.
Coding change: c.914G>A on transcript NM_032382.5 (MANE Select); coding-DNA position 914, G replaced by A.
Protein change: p.Gly305Asp; replaces glycine 305 with aspartic acid.
Molecular consequence: missense variant.
Genome position (GRCh38, 1-based): chr16:69,335,020, C>T on the plus strand (G>A on the coding strand, the complement: COG8 is on the minus strand). VCF-style: chr16-69335020-C-T. GRCh37 (hg19) VCF-style: chr16-69368923-C-T.
Other names: c.914G>A (NM_032382.4); c.914G>A, p.Gly305Asp (NM_001374871.1, NM_001379261.1, NM_001379262.1 and 4 more transcripts); short protein forms G305D.
Identifiers: ClinVar variation 1404722 (VCV001404722.9), dbSNP rs941763771, ClinGen allele CA283358188.

ClinVar aggregate classification (germline): Uncertain significance. Review status: criteria provided, multiple submitters, no conflicts (2 of 4 stars). 2 submissions from 2 submitters: Uncertain significance (2). Last evaluated 2023-12-16.

Conditions:
Inborn genetic diseases. Identifiers: MedGen C0950123, MeSH D030342.
COG8-congenital disorder of glycosylation. Also called: CDG IIh; COG8-CDG. Identifiers: Orphanet 95428, MedGen C1970021, MONDO:0012635, OMIM 611182.

Allele frequency attached by ClinVar (database versions not stated): gnomAD exomes 0.00001; gnomAD 0.00005; TOPMed 0.00011.
gnomAD v4.1: 12 of 1,614,048 alleles (0.00074%); highest among the groups gnomAD compares: Admixed American, 0.015%; no homozygotes.

Submissions (2):

Ambry Genetics
Classification: Uncertain significance for Inborn genetic diseases. Last evaluated: 2023-12-16. Review status: criteria provided, single submitter. Criteria: Ambry Variant Classification Scheme 2023. Collection method: clinical testing. Allele origin: germline.

Labcorp Genetics (formerly Invitae), Labcorp
Classification: Uncertain significance for COG8-congenital disorder of glycosylation. Last evaluated: 2021-06-09. Review status: criteria provided, single submitter. Criteria: Invitae Variant Classification Sherloc (09022015). Collection method: clinical testing. Allele origin: germline.
Comment: In summary, the available evidence is currently insufficient to determine the role of this variant in disease. Therefore, it has been classified as a Variant of Uncertain Significance. Algorithms developed to predict the effect of missense changes on protein structure and function (SIFT, PolyPhen-2, Align-GVGD) all suggest that this variant is likely to be tolerated, but these predictions have not been confirmed by published functional studies and their clinical significance is uncertain. This variant has not been reported in the literature in individuals with COG8-related conditions. This variant is not present in population databases (ExAC no frequency). This sequence change replaces glycine with aspartic acid at codon 305 of the COG8 protein (p.Gly305Asp). The glycine residue is moderately conserved and there is a moderate physicochemical difference between glycine and aspartic acid.